The following is an entry in ClinVar:

NM_003322.6(TULP1):c.8T>C (p.Leu3Pro)

Gene: TULP1 (TUB like protein 1; minus strand). Cytogenetic location: 6p21.31.
Variant type: single nucleotide variant.
Coding change: c.8T>C on transcript NM_003322.6 (MANE Select); coding-DNA position 8, T replaced by C.
Protein change: p.Leu3Pro; replaces leucine 3 with proline.
Molecular consequence: missense variant.
Genome position (GRCh38, 1-based): chr6:35,512,851, A>G on the plus strand (T>C on the coding strand, the complement: TULP1 is on the minus strand). VCF-style: chr6-35512851-A-G. GRCh37 (hg19) VCF-style: chr6-35480628-A-G.
Other names: c.8T>C, p.Leu3Pro (NM_001289395.2); short protein forms L3P.
Identifiers: ClinVar variation 4801340 (VCV004801340.2).
Genomic context (GRCh38, chr6:35,512,851, plus strand): 5'-CGAACTGGGGGCCTTCCAGACCTGTCAGAGGCCCACACCTCTCGGAGGGTTTCATCCCGC[A>G]GAGGCATGGTGCCTTTGCCTATCGCACCCCTTTCTCTGCAGGTCTAGGAGCCTCCCTCCC-3'
Protein context (NP_003313.3, residues 1-13): MP[Leu3Pro]RDETLREVWA

ClinVar aggregate classification (germline): Conflicting classifications of pathogenicity. Review status: criteria provided, conflicting classifications (1 of 4 stars). 2 submissions from 2 submitters: Likely pathogenic (1); Uncertain significance (1). Last evaluated 2025-12-10.

Conditions:
TULP1-related disorder. Also called: TULP1-related condition; TULP1-related disorders.

gnomAD v4.1: 3 of 1,611,348 alleles (0.00019%); highest among the groups gnomAD compares: African/African-American, 0.0027%; no homozygotes.

Submissions (2):

Labcorp Genetics (formerly Invitae), Labcorp
Classification: Uncertain significance. Last evaluated: 2025-12-10. Review status: criteria provided, single submitter. Criteria: Invitae Variant Classification Sherloc (09022015). Collection method: clinical testing. Allele origin: germline.
Comment: This sequence change replaces leucine, which is neutral and non-polar, with proline, which is neutral and non-polar, at codon 3 of the TULP1 protein (p.Leu3Pro). This variant is not present in population databases (gnomAD no frequency). This variant has not been reported in the literature in individuals affected with TULP1-related conditions. Invitae Evidence Modeling of protein sequence and biophysical properties (such as structural, functional, and spatial information, amino acid conservation, physicochemical variation, residue mobility, and thermodynamic stability) has been performed for this missense variant. However, the output from this modeling did not meet the statistical confidence thresholds required to predict the impact of this variant on TULP1 protein function. In summary, the available evidence is currently insufficient to determine the role of this variant in disease. Therefore, it has been classified as a Variant of Uncertain Significance.

Blueprint Genetics
Classification: Likely pathogenic for TULP1-related disorders. Last evaluated: 2022-03-04. Review status: criteria provided, single submitter. Criteria: ACMG Guidelines, 2015. Collection method: clinical testing. Allele origin: germline. Affected: yes. Observed: 2 variant alleles.